The following is an entry in ClinVar:

ClinVar aggregate classification (germline): Uncertain significance (1 of 4 stars; one submission).

Conditions:
Hereditary hyperekplexia. Identifiers: MONDO:0021022, Orphanet 3197, MedGen C4084968.

gnomAD v4.1: 4 of 1,613,926 alleles (0.00025%); highest among the groups gnomAD compares: Non-Finnish European, 0.00034%; no homozygotes.

Submission:

Labcorp Genetics (formerly Invitae), Labcorp
Classification: Uncertain significance for Hereditary hyperekplexia. Last evaluated: 2025-11-10. Review status: criteria provided, single submitter. Criteria: Invitae Variant Classification Sherloc (09022015). Collection method: clinical testing. Allele origin: germline.
Comment: This sequence change replaces arginine, which is basic and polar, with leucine, which is neutral and non-polar, at codon 405 of the GLRA1 protein (p.Arg405Leu). This variant is present in population databases (rs199561280, gnomAD 0.0009%). This variant has not been reported in the literature in individuals affected with GLRA1-related conditions. ClinVar contains an entry for this variant (Variation ID: 645318). Invitae Evidence Modeling of protein sequence and biophysical properties (such as structural, functional, and spatial information, amino acid conservation, physicochemical variation, residue mobility, and thermodynamic stability) indicates that this missense variant is not expected to disrupt GLRA1 protein function with a negative predictive value of 80%. In summary, the available evidence is currently insufficient to determine the role of this variant in disease. Therefore, it has been classified as a Variant of Uncertain Significance.

NM_000171.4(GLRA1):c.1214G>T (p.Arg405Leu)

Gene: GLRA1 (glycine receptor alpha 1; minus strand). Cytogenetic location: 5q33.1.
Variant type: single nucleotide variant.
Coding change: c.1214G>T on transcript NM_000171.4 (MANE Select); coding-DNA position 1214, G replaced by T.
Protein change: p.Arg405Leu; replaces arginine 405 with leucine.
Molecular consequence: missense variant.
Genome position (GRCh38, 1-based): chr5:151,822,809, C>A on the plus strand (G>T on the coding strand, the complement: GLRA1 is on the minus strand). VCF-style: chr5-151822809-C-A. GRCh37 (hg19) VCF-style: chr5-151202370-C-A.
Other names: c.1238G>T, p.Arg413Leu (NM_001146040.2); c.965G>T, p.Arg322Leu (NM_001292000.2); short protein forms R413L, R405L, R322L.
Identifiers: ClinVar variation 645318 (VCV000645318.10), dbSNP rs199561280, ClinGen allele CA3523480.
Genomic context (GRCh38, chr5:151,822,809, plus strand): 5'-ATGGGGAAGCCAATGCGGGATATTTTGTCGATCTTCTTGGCCCTCTGGATGAAGAGTTTT[C>A]GCATCTCCTCTGGGGACTTAGATGGTGCAGGAGGGGGGTTGGTGGTGTTACTGTTGTTGG-3'
Protein context (NP_000162.2, residues 395-415): PAPSKSPEEM[Arg405Leu]KLFIQRAKKI